The following is an entry in ClinVar:

NM_003482.4(KMT2D):c.6900G>A (p.Gly2300=)

Gene: KMT2D (lysine methyltransferase 2D; minus strand). Cytogenetic location: 12q13.12.
Variant type: single nucleotide variant.
Coding change: c.6900G>A on transcript NM_003482.4 (MANE Select); coding-DNA position 6900, G replaced by A.
Protein change: p.Gly2300=; no amino-acid change (glycine 2300 retained).
Molecular consequence: synonymous variant.
Genome position (GRCh38, 1-based): chr12:49,040,870, C>T on the plus strand (G>A on the coding strand, the complement: KMT2D is on the minus strand). VCF-style: chr12-49040870-C-T. GRCh37 (hg19) VCF-style: chr12-49434653-C-T.
Identifiers: ClinVar variation 3239522 (VCV003239522.19), dbSNP rs1453597957.

ClinVar aggregate classification (germline): Likely benign (1 of 4 stars; one submission).

Allele frequency attached by ClinVar (database versions not stated): TOPMed below 0.00001; gnomAD 0.00001.
gnomAD v4.1: 2 of 1,613,632 alleles (0.00012%); highest among the groups gnomAD compares: African/African-American, 0.0013%; no homozygotes.

Submission:

CeGaT Center for Human Genetics Tuebingen
Classification: Likely benign. Last evaluated: 2024-05-01. Review status: criteria provided, single submitter. Criteria: CeGaT Center For Human Genetics Tuebingen Variant Classification Criteria Version 2. Collection method: clinical testing. Allele origin: germline. Affected: yes. Observed: 1 variant allele.
Comment: KMT2D: BP4, BP7